The following is an entry in ClinVar:

NM_001384140.1(PCDH15):c.3018G>T (p.Val1006=)

Gene: PCDH15 (protocadherin related 15; minus strand). Cytogenetic location: 10q21.1.
Variant type: single nucleotide variant.
Coding change: c.3018G>T on transcript NM_001384140.1 (MANE Select); coding-DNA position 3018, G replaced by T.
Protein change: p.Val1006=; no amino-acid change (valine 1006 retained).
Molecular consequence: synonymous variant.
Genome position (GRCh38, 1-based): chr10:53,959,836, C>A on the plus strand (G>T on the coding strand, the complement: PCDH15 is on the minus strand). VCF-style: chr10-53959836-C-A. GRCh37 (hg19) VCF-style: chr10-55719596-C-A.
Other names: c.3033G>T, p.Val1011= (NM_001142763.2, NM_001142771.2); c.3018G>T, p.Val1006= (NM_001142764.2, NM_001142766.2, NM_001142770.3 and 4 more transcripts); c.2805G>T, p.Val935= (NM_001142765.2); c.2907G>T, p.Val969= (NM_001142767.2); c.2952G>T, p.Val984= (NM_001142768.2, NM_001142773.2, NM_001354404.2); c.3054G>T, p.Val1018= (NM_001142769.4); c.3039G>T, p.Val1013= (NM_001354411.2).
Identifiers: ClinVar variation 46461 (VCV000046461.28), dbSNP rs41307518, ClinGen allele CA138406.

ClinVar aggregate classification (germline): Benign/Likely benign. Review status: criteria provided, multiple submitters, no conflicts (2 of 4 stars). 7 submissions from 7 submitters: Benign (4); Likely benign (2). 1 of the submissions does not count toward it. Last evaluated 2026-02-02.

Conditions:
Usher syndrome type 1 (USH1). Also called: RETINITIS PIGMENTOSA AND CONGENITAL DEAFNESS. Identifiers: Orphanet 231169, Orphanet 886, MedGen C1568247, MONDO:0010168, OMIM 276900.
Usher syndrome type 1F (USH1F). Also called: USHER SYNDROME, TYPE IF. Identifiers: Orphanet 231169, Orphanet 886, MedGen C1865885, MONDO:0011186, OMIM 602083.

Allele frequency attached by ClinVar (database versions not stated): ESP Exome Variant Server 0.00092; gnomAD 0.00149 and 0.00198; TOPMed 0.00155; gnomAD exomes 0.00343; ExAC 0.00360; 1000 Genomes Project 30x 0.00531; 1000 Genomes Project 0.00579.
gnomAD v4.1: 5,190 of 1,613,068 alleles (0.32%); highest among the groups gnomAD compares: South Asian, 1.7%; 26 homozygotes.

Submissions (7):

Labcorp Genetics (formerly Invitae), Labcorp
Classification: Benign. Last evaluated: 2026-02-02. Review status: criteria provided, single submitter. Criteria: Invitae Variant Classification Sherloc (09022015). Collection method: clinical testing. Allele origin: germline.

Genome-Nilou Lab
Classification: Likely benign for Usher syndrome type 1F. Last evaluated: 2021-05-18. Review status: criteria provided, single submitter. Criteria: ACMG Guidelines, 2015. Collection method: clinical testing. Allele origin: germline. Affected: no.

GeneDx
Classification: Benign. Last evaluated: 2019-10-29. Review status: criteria provided, single submitter. Criteria: GeneDx Variant Classification Process June 2021. Collection method: clinical testing. Allele origin: germline. Affected: yes.
Comment: This variant is associated with the following publications: (PMID: 16679490)

Illumina Laboratory Services, Illumina
Classification: Likely benign for Usher syndrome type 1. Last evaluated: 2018-01-13. Review status: criteria provided, single submitter. Criteria: ICSL Variant Classification Criteria 13 December 2019. Collection method: clinical testing. Allele origin: germline.
Comment: This variant was observed in the ICSL laboratory as part of a predisposition screen in an ostensibly healthy population. It had not been previously curated by ICSL or reported in the Human Gene Mutation Database (HGMD: prior to June 1st, 2018), and was therefore a candidate for classification through an automated scoring system. Utilizing variant allele frequency, disease prevalence and penetrance estimates, and inheritance mode, an automated score was calculated to assess if this variant is too frequent to cause the disease. Based on the score and internal cut-off values, a variant classified as likely benign is not then subjected to further curation. The score for this variant resulted in a classification of likely benign for this disease.

Eurofins Ntd Llc (ga)
Classification: Benign. Last evaluated: 2017-03-01. Review status: criteria provided, single submitter. Criteria: EGL Classification Definitions 2015. Collection method: clinical testing. Allele origin: germline. Observed: 2 variant alleles, 2 heterozygotes.

Laboratory for Molecular Medicine, Mass General Brigham Personalized Medicine
Classification: Benign. Last evaluated: 2010-10-26. Review status: criteria provided, single submitter. Criteria: LMM Criteria. Collection method: clinical testing. Allele origin: germline. Observed: 15 variant alleles.
Comment: Val1006Val in exon 23 of PCDH15: This variant is not expected to have clinical s ignificance because it does not alter an amino acid residue, is not located near a splice junction and is presnet in dbSNP (rs41307518 - 5 submissions).

Natera, Inc.
Classification: Benign for Usher syndrome type 1F. Last evaluated: 2019-10-21. Review status: no assertion criteria provided. Collection method: clinical testing. Allele origin: germline. Not counted in ClinVar's aggregate classification.

Literature cited by the submitters: PubMed 16679490 (cited by Laboratory for Molecular Medicine, Mass General Brigham Personalized Medicine).